The following is an entry in ClinVar:

ClinVar aggregate classification (germline): Uncertain significance (1 of 4 stars; one submission).

Conditions:
Peutz-Jeghers syndrome (PJS). Also called: POLYPOSIS, HAMARTOMATOUS INTESTINAL; POLYPS-AND-SPOTS SYNDROME; Peutz-Jeghers polyposis; Periorificial lentiginosis syndrome. Identifiers: Orphanet 2869, MedGen C0031269, MeSH D010580, MONDO:0008280, OMIM 175200.

Submission:

Labcorp Genetics (formerly Invitae), Labcorp
Classification: Uncertain significance for Peutz-Jeghers syndrome. Last evaluated: 2024-03-02. Review status: criteria provided, single submitter. Criteria: Invitae Variant Classification Sherloc (09022015). Collection method: clinical testing. Allele origin: germline.
Comment: This sequence change falls in intron 1 of the STK11 gene. It does not directly change the encoded amino acid sequence of the STK11 protein. It affects a nucleotide within the consensus splice site. This variant is not present in population databases (gnomAD no frequency). This variant has not been reported in the literature in individuals affected with STK11-related conditions. Variants that disrupt the consensus splice site are a relatively common cause of aberrant splicing (PMID: 17576681, 9536098). Algorithms developed to predict the effect of sequence changes on RNA splicing suggest that this variant may disrupt the consensus splice site. In summary, the available evidence is currently insufficient to determine the role of this variant in disease. Therefore, it has been classified as a Variant of Uncertain Significance.

Literature cited by the submitters: PubMed 17576681; PubMed 9536098.

NM_000455.5(STK11):c.290+5G>C

Gene: STK11 (serine/threonine kinase 11; plus strand). Cytogenetic location: 19p13.3.
Variant type: single nucleotide variant.
Coding change: c.290+5G>C on transcript NM_000455.5 (MANE Select); 5 bases into the intron after coding-DNA position 290, G replaced by C.
Molecular consequence: intron variant.
Genome position (GRCh38, 1-based): chr19:1,207,208, G>C. VCF-style: chr19-1207208-G-C. GRCh37 (hg19) VCF-style: chr19-1207207-G-C.
Other names: c.290+5G>C (NM_001407255.1).
Identifiers: ClinVar variation 3644061 (VCV003644061.2).
Genomic context (GRCh38, chr19:1,207,208, plus strand): 5'-ATCCTCAAGAAGAAGAAGTTGCGAAGGATCCCCAACGGGGAGGCCAACGTGAAGAAGTAA[G>C]TATGGCTTGCTGGGGTCGGGGCCGGGCCGGGCCAGTCACGGTGCTGATGGTTCTGTCTTC-3'